The following is an entry in ClinVar:

ClinVar aggregate classification (germline): Likely benign (1 of 4 stars; one submission).

Conditions:
TRIOBP-related disorder. Also called: TRIOBP-related condition.

gnomAD v4.1: 87 of 1,612,260 alleles (0.0054%); highest among the groups gnomAD compares: East Asian, 0.15%; no homozygotes.

Submission:

PreventionGenetics, part of Exact Sciences
Classification: Likely benign for TRIOBP-related condition. Last evaluated: 2026-02-13. Review status: criteria provided, single submitter. Criteria: ACMG Guidelines, 2015. Collection method: clinical testing. Allele origin: germline.
Comment: This variant is classified as likely benign based on ACMG/AMP sequence variant interpretation guidelines (Richards et al. 2015 PMID: 25741868, with internal and published modifications).

NM_001039141.3(TRIOBP):c.2812G>A (p.Ala938Thr)

Gene: TRIOBP (TRIO and F-actin binding protein; plus strand). Cytogenetic location: 22q13.1.
Variant type: single nucleotide variant.
Coding change: c.2812G>A on transcript NM_001039141.3 (MANE Select); coding-DNA position 2812, G replaced by A.
Protein change: p.Ala938Thr; replaces alanine 938 with threonine.
Molecular consequence: missense variant.
Genome position (GRCh38, 1-based): chr22:37,725,368, G>A. VCF-style: chr22-37725368-G-A. GRCh37 (hg19) VCF-style: chr22-38121375-G-A.
Other names: short protein forms A938T.
Identifiers: ClinVar variation 4979083 (VCV004979083.1).